The following is an entry in ClinVar:

ClinVar aggregate classification (germline): Uncertain significance (1 of 4 stars; one submission).

Submission:

GeneDx
Classification: Uncertain significance. Last evaluated: 2026-10-13. Review status: criteria provided, single submitter. Criteria: GeneDx Variant Classification Process June 2021. Collection method: clinical testing. Allele origin: germline.
Comment: Not observed at significant frequency in large population cohorts (gnomAD); In silico analysis indicates that this missense variant does not alter protein structure/function; Has not been previously published as pathogenic or benign to our knowledge

NM_001083619.3(GRIA2):c.352A>G (p.Thr118Ala)

Gene: GRIA2 (glutamate ionotropic receptor AMPA type subunit 2; plus strand). Cytogenetic location: 4q32.1.
Variant type: single nucleotide variant.
Coding change: c.352A>G on transcript NM_001083619.3 (MANE Select); coding-DNA position 352, A replaced by G.
Protein change: p.Thr118Ala; replaces threonine 118 with alanine.
Molecular consequence: missense variant.
Genome position (GRCh38, 1-based): chr4:157,303,674, A>G. VCF-style: chr4-157303674-A-G. GRCh37 (hg19) VCF-style: chr4-158224826-A-G.
Other names: c.352A>G, p.Thr118Ala (NM_000826.6); c.211A>G, p.Thr71Ala (NM_001083620.3, NM_001379000.3, NM_001379001.3); short protein forms T118A, T71A.
Identifiers: ClinVar variation 3776469 (VCV003776469.2).
Genomic context (GRCh38, chr4:157,303,674, plus strand): 5'-AATACCATCACATCATTTTGCGGAACACTCCACGTCTCCTTCATCACTCCCAGCTTCCCA[A>G]CAGATGGCACACATCCATTTGTCATTCAGATGAGACCCGACCTCAAAGGAGCTCTCCTTA-3'
Protein context (NP_001077088.2, residues 108-128): HVSFITPSFP[Thr118Ala]DGTHPFVIQM